The following is an entry in ClinVar:

NC_000016.9:g.(?_10273835)_(10274288_?)del

Gene: GRIN2A (glutamate ionotropic receptor NMDA type subunit 2A; minus strand). Cytogenetic location: 16p13.2.
Variant type: Deletion.
Identifiers: ClinVar variation 464050 (VCV000464050.2).

ClinVar aggregate classification (germline): Pathogenic (1 of 4 stars; one submission).

Conditions:
Landau-Kleffner syndrome (FESD). Also called: EPILEPSY, FOCAL, WITH SPEECH DISORDER AND WITH OR WITHOUT MENTAL RETARDATION; APHASIA, ACQUIRED, WITH EPILEPSY. Identifiers: Orphanet 1945, Orphanet 725, Orphanet 98818, MedGen C0282512, MONDO:0009509, OMIM 245570.

Submission:

Labcorp Genetics (formerly Invitae), Labcorp
Classification: Pathogenic for RESDAD. Last evaluated: 2019-09-16. Review status: criteria provided, single submitter. Criteria: Invitae Variant Classification Sherloc (09022015). Collection method: clinical testing. Allele origin: germline.
Comment: This variant is a gross deletion of the genomic region encompassing exon 3 of the GRIN2A gene, which includes the initiator codon. The 5' end of this event is unknown as it extends beyond the assayed region for this gene and therefore may encompass additional genes. The 3' boundary is likely confined to intron 3 of the GRIN2A gene. This is expected to result in an absent or disrupted protein product. This variant has not been reported in the literature in individuals with GRIN2A-related conditions. Loss-of-function variants in GRIN2A are known to be pathogenic (PMID: 23933819, 23933820). For these reasons, this variant has been classified as Pathogenic.